The following is an entry in ClinVar:

ClinVar aggregate classification (germline): Uncertain significance (1 of 4 stars; one submission).

gnomAD v4.1: 3 of 1,614,134 alleles (0.00019%); highest among the groups gnomAD compares: Middle Eastern, 0.016%; no homozygotes.

Submission:

Labcorp Genetics (formerly Invitae), Labcorp
Classification: Uncertain significance. Last evaluated: 2025-08-04. Review status: criteria provided, single submitter. Criteria: Invitae Variant Classification Sherloc (09022015). Collection method: clinical testing. Allele origin: germline.
Comment: This sequence change replaces threonine, which is neutral and polar, with isoleucine, which is neutral and non-polar, at codon 479 of the LEMD3 protein (p.Thr479Ile). This variant is present in population databases (rs200415494, gnomAD 0.0009%). This variant has not been reported in the literature in individuals affected with LEMD3-related conditions. Invitae Evidence Modeling of protein sequence and biophysical properties (such as structural, functional, and spatial information, amino acid conservation, physicochemical variation, residue mobility, and thermodynamic stability) indicates that this missense variant is not expected to disrupt LEMD3 protein function with a negative predictive value of 80%. In summary, the available evidence is currently insufficient to determine the role of this variant in disease. Therefore, it has been classified as a Variant of Uncertain Significance.

NM_014319.5(LEMD3):c.1436C>T (p.Thr479Ile)

Gene: LEMD3 (LEM domain containing 3; plus strand). Cytogenetic location: 12q14.3.
Variant type: single nucleotide variant.
Coding change: c.1436C>T on transcript NM_014319.5 (MANE Select); coding-DNA position 1436, C replaced by T.
Protein change: p.Thr479Ile; replaces threonine 479 with isoleucine.
Molecular consequence: missense variant.
Genome position (GRCh38, 1-based): chr12:65,171,032, C>T. VCF-style: chr12-65171032-C-T. GRCh37 (hg19) VCF-style: chr12-65564812-C-T.
Other names: c.1436C>T, p.Thr479Ile (NM_001167614.2); short protein forms T479I.
Identifiers: ClinVar variation 4778268 (VCV004778268.1).
Genomic context (GRCh38, chr12:65,171,032, plus strand): 5'-GGGAGGAGGTGTCCCCAACAGGGAGTTTCAGTGCCCACTACTTGTCGATGTTTCTCTTAA[C>T]TGCTGCCTGCTTATTTTTCCTAATACTGGGACTGACTTACCTAGGAATGAGAGGGACAGG-3'
Protein context (NP_055134.2, residues 469-489): SAHYLSMFLL[Thr479Ile]AACLFFLILG